The following is an entry in ClinVar:

ClinVar aggregate classification (germline): Likely pathogenic. Review status: criteria provided, multiple submitters, no conflicts (2 of 4 stars). 2 submissions from 2 submitters: Likely pathogenic (2). Last evaluated 2025-11-07.

Conditions:
Inborn genetic diseases. Identifiers: MedGen C0950123, MeSH D030342.

gnomAD v4.1: 3 of 1,613,948 alleles (0.00019%); highest among the groups gnomAD compares: Non-Finnish European, 0.00025%; no homozygotes.

Submissions (2):

Ambry Genetics
Classification: Likely pathogenic for Inborn genetic diseases. Last evaluated: 2025-11-07. Review status: criteria provided, single submitter. Criteria: Ambry Variant Classification Scheme 2023. Collection method: clinical testing. Allele origin: germline.
Comment: The c.434G>C (p.R145P) alteration is located in exon 4 (coding exon 4) of the SAMHD1 gene. This alteration results from a G to C substitution at nucleotide position 434, causing the arginine (R) at amino acid position 145 to be replaced by a proline (P). This variant was not reported in population-based cohorts in the Genome Aggregation Database (gnomAD). This variant has been identified in the homozygous state in at least one individual with features consistent with SAMHD1-related Aicardi-Goutieres syndrome (Sorokina, 2023). Other variant(s) at the same codon, c.434G>A (p.R145Q), have been identified in individual(s) with features consistent with SAMHD1-related Aicardi-Goutieres syndrome (Rice, 2009). This amino acid position is highly conserved in available vertebrate species. This alteration is predicted to be deleterious by in silico analysis. Based on the available evidence, this alteration is classified as likely pathogenic.

CeGaT Center for Human Genetics Tuebingen
Classification: Likely pathogenic. Last evaluated: 2019-07-01. Review status: criteria provided, single submitter. Criteria: CeGaT Center For Human Genetics Tuebingen Variant Classification Criteria Version 2. Collection method: clinical testing. Allele origin: germline. Affected: yes. Observed: 3 variant alleles.

Literature cited by the submitters: PubMed 19525956 (cited by Ambry Genetics); PubMed 37371788 (cited by Ambry Genetics).

NM_015474.4(SAMHD1):c.434G>C (p.Arg145Pro)

Gene: SAMHD1 (SAM and HD domain containing deoxynucleoside triphosphate triphosphohydrolase 1; minus strand). Cytogenetic location: 20q11.23.
Variant type: single nucleotide variant.
Coding change: c.434G>C on transcript NM_015474.4 (MANE Select); coding-DNA position 434, G replaced by C.
Protein change: p.Arg145Pro; replaces arginine 145 with proline.
Molecular consequence: missense variant.
Genome position (GRCh38, 1-based): chr20:36,935,104, C>G on the plus strand (G>C on the coding strand, the complement: SAMHD1 is on the minus strand). VCF-style: chr20-36935104-C-G. GRCh37 (hg19) VCF-style: chr20-35563507-C-G.
Other names: c.434G>C, p.Arg145Pro (NM_001363729.2, NM_001363733.2); c.434G>C (NM_015474.3); short protein forms R145P.
Identifiers: ClinVar variation 872202 (VCV000872202.41), dbSNP rs515726145, ClinGen allele CA408823104.